The following is an entry in ClinVar:

ClinVar aggregate classification (germline): Pathogenic (1 of 4 stars; one submission).

Submission:

Labcorp Genetics (formerly Invitae), Labcorp
Classification: Pathogenic. Last evaluated: 2023-11-06. Review status: criteria provided, single submitter. Criteria: Invitae Variant Classification Sherloc (09022015). Collection method: clinical testing. Allele origin: germline.
Comment: This sequence change creates a premature translational stop signal (p.Ala391Glyfs*93) in the SLC19A2 gene. While this is not anticipated to result in nonsense mediated decay, it is expected to disrupt the last 107 amino acid(s) of the SLC19A2 protein. This variant is not present in population databases (gnomAD no frequency). This variant has not been reported in the literature in individuals affected with SLC19A2-related conditions. This variant disrupts a region of the SLC19A2 protein in which other variant(s) (p.Leu457*) have been determined to be pathogenic (PMID: 23289844). This suggests that this is a clinically significant region of the protein, and that variants that disrupt it are likely to be disease-causing. For these reasons, this variant has been classified as Pathogenic.

Literature cited by the submitters: PubMed 23289844.

NM_006996.3(SLC19A2):c.1171dup (p.Ala391fs)

Gene: SLC19A2 (solute carrier family 19 member 2; minus strand). Cytogenetic location: 1q24.2.
Variant type: Duplication.
Coding change: c.1171dup on transcript NM_006996.3 (MANE Select); coding-DNA position 1171, one base duplicated (G; older notation c.1171dupG).
Protein change: p.Ala391fs; shifts the reading frame from alanine 391.
Molecular consequence: frameshift variant.
Genome position (GRCh38, 1-based): chr1:169,468,696, C duplicated on the plus strand (G on the coding strand, the reverse complement: SLC19A2 is on the minus strand). VCF-style (leftmost placement, unchanged base first): chr1-169468695-G-GC. GRCh37 (hg19) VCF-style: chr1-169437933-G-GC.
Other names: c.568dup, p.Ala190fs (NM_001319667.1); short protein forms A391fs, A190fs.
Identifiers: ClinVar variation 2693922 (VCV002693922.3), dbSNP rs2526236106, ClinGen allele CA2697554635.